The following is an entry in ClinVar:

ClinVar aggregate classification (germline): Uncertain significance (1 of 4 stars; one submission).

Allele frequency attached by ClinVar (database versions not stated): gnomAD exomes below 0.00001.
gnomAD v4.1: 2 of 1,614,192 alleles (0.00012%); highest among the groups gnomAD compares: Non-Finnish European, 0.000085%; no homozygotes.

Submission:

Labcorp Genetics (formerly Invitae), Labcorp
Classification: Uncertain significance. Last evaluated: 2024-08-28. Review status: criteria provided, single submitter. Criteria: Invitae Variant Classification Sherloc (09022015). Collection method: clinical testing. Allele origin: germline.
Comment: This sequence change replaces leucine, which is neutral and non-polar, with histidine, which is basic and polar, at codon 886 of the ATP1A1 protein (p.Leu886His). This variant is not present in population databases (gnomAD no frequency). This variant has not been reported in the literature in individuals affected with ATP1A1-related conditions. ClinVar contains an entry for this variant (Variation ID: 1484503). An algorithm developed to predict the effect of missense changes on protein structure and function (PolyPhen-2) suggests that this variant is likely to be disruptive. In summary, the available evidence is currently insufficient to determine the role of this variant in disease. Therefore, it has been classified as a Variant of Uncertain Significance.

NM_000701.8(ATP1A1):c.2657T>A (p.Leu886His)

Genes: ATP1A1 (ATPase Na+/K+ transporting subunit alpha 1; plus strand), ATP1A1-AS1 (ATP1A1 antisense RNA 1; minus strand). Cytogenetic location: 1p13.1.
Variant type: single nucleotide variant.
Coding change: c.2657T>A on transcript NM_000701.8 (MANE Select); coding-DNA position 2657, T replaced by A.
Protein change: p.Leu886His; replaces leucine 886 with histidine.
Molecular consequence: missense variant. On other transcripts: non-coding transcript variant (2).
Genome position (GRCh38, 1-based): chr1:116,400,945, T>A. VCF-style: chr1-116400945-T-A. GRCh37 (hg19) VCF-style: chr1-116943567-T-A.
Other names: c.2657T>A, p.Leu886His (NM_001160233.2); c.2564T>A, p.Leu855His (NM_001160234.2); short protein forms L886H, L855H.
Identifiers: ClinVar variation 1484503 (VCV001484503.8), dbSNP rs2101066014, ClinGen allele CA341775017.